The following is an entry in ClinVar:

ClinVar aggregate classification (germline): Uncertain significance (1 of 4 stars; one submission).

Conditions:
Inborn genetic diseases. Identifiers: MedGen C0950123, MeSH D030342.

Submission:

Ambry Genetics
Classification: Uncertain significance for Inborn genetic diseases. Last evaluated: 2024-10-30. Review status: criteria provided, single submitter. Criteria: Ambry Variant Classification Scheme 2023. Collection method: clinical testing. Allele origin: germline.
Comment: The p.P2123L variant (also known as c.6368C>T), located in coding exon 43 of the LRRK2 gene, results from a C to T substitution at nucleotide position 6368. The proline at codon 2123 is replaced by leucine, an amino acid with similar properties. This amino acid position is conserved. In addition, this alteration is predicted to be deleterious by in silico analysis. Based on the available evidence, the clinical significance of this variant remains unclear.

NM_198578.4(LRRK2):c.6368C>T (p.Pro2123Leu)

Gene: LRRK2 (leucine rich repeat kinase 2; plus strand). Cytogenetic location: 12q12.
Variant type: single nucleotide variant.
Coding change: c.6368C>T on transcript NM_198578.4 (MANE Select); coding-DNA position 6368, C replaced by T.
Protein change: p.Pro2123Leu; replaces proline 2123 with leucine.
Molecular consequence: missense variant.
Genome position (GRCh38, 1-based): chr12:40,348,496, C>T. VCF-style: chr12-40348496-C-T. GRCh37 (hg19) VCF-style: chr12-40742298-C-T.
Other names: short protein forms P2123L.
Identifiers: ClinVar variation 3540758 (VCV003540758.1).